The following is an entry in ClinVar:

NM_002941.4(ROBO1):c.2467C>T (p.Arg823Ter)

Gene: ROBO1 (roundabout guidance receptor 1; minus strand). Cytogenetic location: 3p12.3.
Variant type: single nucleotide variant.
Coding change: c.2467C>T on transcript NM_002941.4 (MANE Select); coding-DNA position 2467, C replaced by T.
Protein change: p.Arg823Ter; replaces arginine 823 with a stop codon.
Molecular consequence: nonsense.
Genome position (GRCh38, 1-based): chr3:78,657,245, G>A on the plus strand (C>T on the coding strand, the complement: ROBO1 is on the minus strand). VCF-style: chr3-78657245-G-A. GRCh37 (hg19) VCF-style: chr3-78706395-G-A.
Other names: c.2359C>T, p.Arg787Ter (NM_001145845.2, NM_133631.4); short protein forms R787*, R823*.
Identifiers: ClinVar variation 3253348 (VCV003253348.1), dbSNP rs371765552.
Genomic context (GRCh38, chr3:78,657,245, plus strand): 5'-CAAGAAAGGGAATGACCACGGAAAAGGTGGAACCATCCACTGTTTTGTTGATGTGGTATC[G>A]AGTTTCATTGCCCAGACACCAAACCTGTAAGAAGCACATCACAAAAATCAAGCTGGTAAA-3'

ClinVar aggregate classification (germline): Pathogenic (1 of 4 stars; one submission).

Allele frequency attached by ClinVar (database versions not stated): gnomAD exomes below 0.00001; gnomAD 0.00001.
gnomAD v4.1: 4 of 1,613,508 alleles (0.00025%); highest among the groups gnomAD compares: African/African-American, 0.0013%; no homozygotes.

Submission:

GeneDx
Classification: Pathogenic. Last evaluated: 2023-12-12. Review status: criteria provided, single submitter. Criteria: GeneDx Variant Classification Process June 2021. Collection method: clinical testing. Allele origin: germline. Affected: yes.
Comment: Nonsense variant predicted to result in protein truncation or nonsense mediated decay in a gene for which loss of function is a known mechanism of disease; Not observed at significant frequency in large population cohorts (gnomAD); Has not been previously published as pathogenic or benign to our knowledge